The following is an entry in ClinVar:

NM_000089.4(COL1A2):c.1159G>C (p.Ala387Pro)

Gene: COL1A2 (collagen type I alpha 2 chain; plus strand). Cytogenetic location: 7q21.3.
Variant type: single nucleotide variant.
Coding change: c.1159G>C on transcript NM_000089.4 (MANE Select); coding-DNA position 1159, G replaced by C.
Protein change: p.Ala387Pro; replaces alanine 387 with proline.
Molecular consequence: missense variant.
Genome position (GRCh38, 1-based): chr7:94,410,489, G>C. VCF-style: chr7-94410489-G-C. GRCh37 (hg19) VCF-style: chr7-94039801-G-C.
Other names: short protein forms A387P.
Identifiers: ClinVar variation 1256197 (VCV001256197.12), dbSNP rs972825197, ClinGen allele CA162921141.
Genomic context (GRCh38, chr7:94,410,489, plus strand): 5'-GGGCCCCAAGGTCCTCCTGGTCCCAGTGGTGAAGAAGGAAAGAGAGGCCCTAATGGGGAA[G>C]CTGGATCTGCCGGCCCTCCAGGACCTCCTGGGCTGAGAGTAGGTTTCAAATGCTCCCAAC-3'
Protein context (NP_000080.2, residues 377-397): EEGKRGPNGE[Ala387Pro]GSAGPPGPPG

ClinVar aggregate classification (germline): Conflicting classifications of pathogenicity. Review status: criteria provided, conflicting classifications (1 of 4 stars). 4 submissions from 4 submitters: Uncertain significance (3); Likely benign (1). Last evaluated 2025-02-26.

Conditions:
Cardiovascular phenotype. Identifiers: MedGen CN230736.
Osteogenesis imperfecta type I (OI1). Also called: OI, TYPE I; OSTEOGENESIS IMPERFECTA TARDA; OSTEOGENESIS IMPERFECTA WITH BLUE SCLERAE; Osteogenesis imperfecta type 1; Lobstein's Disease; Lobstein disease. Identifiers: Orphanet 216796, Orphanet 666, MedGen C0023931, MONDO:0008146, OMIM 166200. Disease mechanism: loss of function.
Ehlers-Danlos syndrome, classic type, 1 (EDSCL1). Also called: EHLERS-DANLOS SYNDROME, GRAVIS TYPE; EHLERS-DANLOS SYNDROME, SEVERE CLASSIC TYPE; Ehlers-Danlos syndrome, type 1; EDS I; Ehlers-Danlos Syndrome, Classic Type, COL5A1-Related. Identifiers: MedGen C0268335, MONDO:0019567, OMIM 130000.

Allele frequency attached by ClinVar (database versions not stated): gnomAD exomes 0.00001 and 0.00003; gnomAD 0.00001; TOPMed 0.00002.
gnomAD v4.1: 43 of 1,549,986 alleles (0.0028%); highest among the groups gnomAD compares: Non-Finnish European, 0.0036%; no homozygotes.

Submissions (4):

Ambry Genetics
Classification: Likely benign for Cardiovascular phenotype. Last evaluated: 2025-02-26. Review status: criteria provided, single submitter. Criteria: Ambry Variant Classification Scheme 2023. Collection method: clinical testing. Allele origin: germline.

Labcorp Genetics (formerly Invitae), Labcorp
Classification: Uncertain significance for Osteogenesis imperfecta type I; Ehlers-Danlos syndrome, classic type, 1. Last evaluated: 2024-02-25. Review status: criteria provided, single submitter. Criteria: Invitae Variant Classification Sherloc (09022015). Collection method: clinical testing. Allele origin: germline.
Comment: This sequence change replaces alanine, which is neutral and non-polar, with proline, which is neutral and non-polar, at codon 387 of the COL1A2 protein (p.Ala387Pro). This variant is present in population databases (no rsID available, gnomAD 0.002%). This missense change has been observed in individual(s) with hypermobility (PMID: 27011056). ClinVar contains an entry for this variant (Variation ID: 1256197). Advanced modeling of protein sequence and biophysical properties (such as structural, functional, and spatial information, amino acid conservation, physicochemical variation, residue mobility, and thermodynamic stability) performed at Invitae indicates that this missense variant is not expected to disrupt COL1A2 protein function with a negative predictive value of 95%. In summary, the available evidence is currently insufficient to determine the role of this variant in disease. Therefore, it has been classified as a Variant of Uncertain Significance.

Athena Diagnostics
Classification: Uncertain significance. Last evaluated: 2021-03-11. Review status: criteria provided, single submitter. Criteria: Athena Diagnostics criteria. Collection method: clinical testing. Allele origin: unknown.

GeneDx
Classification: Uncertain significance. Last evaluated: 2020-10-26. Review status: criteria provided, single submitter. Criteria: GeneDx Variant Classification Process June 2021. Collection method: clinical testing. Allele origin: germline. Affected: yes.
Comment: Not observed at a significant frequency in large population cohorts (Lek et al., 2016); In silico analysis supports that this missense variant does not alter protein structure/function; Has not been previously published as pathogenic or benign to our knowledge

Literature cited by the submitters: PubMed 27011056 (cited by 3 submitters).